The following is an entry in ClinVar:

NM_006231.4(POLE):c.1429T>C (p.Phe477Leu)

Gene: POLE (DNA polymerase epsilon, catalytic subunit; minus strand). Cytogenetic location: 12q24.33.
Variant type: single nucleotide variant.
Coding change: c.1429T>C on transcript NM_006231.4 (MANE Select); coding-DNA position 1429, T replaced by C.
Protein change: p.Phe477Leu; replaces phenylalanine 477 with leucine.
Molecular consequence: missense variant.
Genome position (GRCh38, 1-based): chr12:132,673,208, A>G on the plus strand (T>C on the coding strand, the complement: POLE is on the minus strand). VCF-style: chr12-132673208-A-G. GRCh37 (hg19) VCF-style: chr12-133249794-A-G.
Other names: short protein forms F477L.
Identifiers: ClinVar variation 2477257 (VCV002477257.3), dbSNP rs2135996157, ClinGen allele CA387358348.

ClinVar aggregate classification (germline): Uncertain significance (1 of 4 stars; one submission).

Conditions:
Hereditary cancer-predisposing syndrome. Also called: Neoplastic Syndromes, Hereditary; Hereditary neoplastic syndrome; Tumor predisposition; Hereditary Cancer Syndrome. Identifiers: Orphanet 140162, MedGen C0027672, MeSH D009386, MONDO:0015356.

Allele frequency attached by ClinVar (database versions not stated): gnomAD exomes below 0.00001.
gnomAD v4.1: 3 of 1,613,766 alleles (0.00019%); highest among the groups gnomAD compares: Non-Finnish European, 0.00025%; no homozygotes.

Submission:

Ambry Genetics
Classification: Uncertain significance for Hereditary cancer-predisposing syndrome. Last evaluated: 2025-10-02. Review status: criteria provided, single submitter. Criteria: Ambry Variant Classification Scheme 2023. Collection method: clinical testing. Allele origin: germline.
Comment: The p.F477L variant (also known as c.1429T>C), located in coding exon 14 of the POLE gene, results from a T to C substitution at nucleotide position 1429. The phenylalanine at codon 477 is replaced by leucine, an amino acid with highly similar properties. This amino acid position is conserved. In addition, this alteration is predicted to be deleterious by in silico analysis. Since supporting evidence is limited at this time, the clinical significance of this alteration remains unclear.